The following is an entry in ClinVar:

NM_000077.5(CDKN2A):c.383G>C (p.Arg128Pro)

Gene: CDKN2A (cyclin dependent kinase inhibitor 2A; minus strand). Cytogenetic location: 9p21.3.
Variant type: single nucleotide variant.
Coding change: c.383G>C on transcript NM_000077.5; coding-DNA position 383, G replaced by C.
Protein change: p.Arg128Pro; replaces arginine 128 with proline.
Molecular consequence: missense variant (on NM_000077.6). On other transcripts: 3 prime UTR variant (2).
Genome position (GRCh38, 1-based): chr9:21,970,976, C>G on the plus strand (G>C on the coding strand, the complement: CDKN2A is on the minus strand). VCF-style: chr9-21970976-C-G. GRCh37 (hg19) VCF-style: chr9-21970975-C-G.
Other names: c.383G>C, p.Arg128Pro (NM_000077.6, NM_001195132.2); c.230G>C, p.Arg77Pro (NM_001363763.2); c.*27G>C (NM_058195.4); c.*306G>C (NM_058197.5); short protein forms R128P, R77P.
Identifiers: ClinVar variation 483344 (VCV000483344.14), dbSNP rs971657556, ClinGen allele CA190729692.

ClinVar aggregate classification (germline): Uncertain significance. Review status: criteria provided, multiple submitters, no conflicts (2 of 4 stars). 2 submissions from 2 submitters: Uncertain significance (2). Last evaluated 2025-08-04.

Conditions:
Hereditary cancer-predisposing syndrome. Also called: Tumor predisposition; Hereditary Cancer Syndrome; Neoplastic Syndromes, Hereditary; Hereditary neoplastic syndrome. Identifiers: Orphanet 140162, MedGen C0027672, MeSH D009386, MONDO:0015356.
Familial melanoma. Also called: Hereditary melanoma; Hereditary cutaneous melanoma. Identifiers: Orphanet 618, MedGen C1512419, MONDO:0018961.

Allele frequency attached by ClinVar (database versions not stated): TOPMed 0.00001.
gnomAD v4.1: 1 of 1,611,034 alleles (0.000062%); highest among the groups gnomAD compares: East Asian, 0.0022%; no homozygotes.

Submissions (2):

Labcorp Genetics (formerly Invitae), Labcorp
Classification: Uncertain significance for Familial melanoma. Last evaluated: 2025-08-04. Review status: criteria provided, single submitter. Criteria: Invitae Variant Classification Sherloc (09022015). Collection method: clinical testing. Allele origin: germline.
Comment: This sequence change replaces arginine, which is basic and polar, with proline, which is neutral and non-polar, at codon 128 of the CDKN2A (p16INK4a) protein (p.Arg128Pro). This variant is not present in population databases (gnomAD no frequency). This missense change has been observed in individual(s) with CDKN2A (p16INK4a)-related conditions (PMID: 37536918). ClinVar contains an entry for this variant (Variation ID: 483344). An algorithm developed to predict the effect of missense changes on protein structure and function (PolyPhen-2) suggests that this variant is likely to be tolerated. Experimental studies have shown that this missense change affects CDKN2A (p16INK4a) function (PMID: 35001868). In summary, the available evidence is currently insufficient to determine the role of this variant in disease. Therefore, it has been classified as a Variant of Uncertain Significance.

Ambry Genetics
Classification: Uncertain significance for Hereditary cancer-predisposing syndrome. Last evaluated: 2024-11-12. Review status: criteria provided, single submitter. Criteria: Ambry Variant Classification Scheme 2023. Collection method: clinical testing. Allele origin: germline.
Comment: The p.R128P variant (also known as c.383G>C), located in coding exon 2 of the CDKN2A gene, results from a G to C substitution at nucleotide position 383. The arginine at codon 128 is replaced by proline, an amino acid with dissimilar properties. Of note, this variant is also known as c.*27G>C in the p14(ARF) isoform. A functional study reported this variant as deleterious based on in-vitro assessment of impact on proliferation in human pancreatic cancer cell lines (Kimura H et al. Elife, 2022 Jan;11:). This variant was identified as germline in a patient with high grade epithelioid leiomyosarcoma although loss of heterozygosity (LOH) was not detected in the tumor (Carvalho NA et al. J Med Genet, 2023 Dec;61:61-68). This amino acid position is poorly conserved in available vertebrate species. In addition, the in silico prediction for this alteration is inconclusive. Based on the available evidence, the clinical significance of this variant remains unclear.

Literature cited by the submitters: PubMed 37536918 (cited by Labcorp Genetics (formerly Invitae), Labcorp and Ambry Genetics); PubMed 35001868 (cited by Labcorp Genetics (formerly Invitae), Labcorp and Ambry Genetics).